The following is an entry in ClinVar:

NM_002458.3(MUC5B):c.4287C>T (p.Tyr1429=)

Gene: MUC5B (mucin 5B, oligomeric mucus/gel-forming; plus strand). Cytogenetic location: 11p15.5.
Variant type: single nucleotide variant.
Coding change: c.4287C>T on transcript NM_002458.3 (MANE Select); coding-DNA position 4287, C replaced by T.
Protein change: p.Tyr1429=; no amino-acid change (tyrosine 1429 retained).
Molecular consequence: synonymous variant.
Genome position (GRCh38, 1-based): chr11:1,241,167, C>T. VCF-style: chr11-1241167-C-T. GRCh37 (hg19) VCF-style: chr11-1262397-C-T.
Identifiers: ClinVar variation 2641199 (VCV002641199.24), dbSNP rs141483748, ClinGen allele CA5805382.

ClinVar aggregate classification (germline): Likely benign (1 of 4 stars; one submission).

Allele frequency attached by ClinVar (database versions not stated): 1000 Genomes Project 0.00040; 1000 Genomes Project 30x 0.00047; gnomAD 0.00126; ExAC 0.00131; TOPMed 0.00136; ESP Exome Variant Server 0.00232.
gnomAD v4.1: 2,980 of 1,602,366 alleles (0.19%); highest among the groups gnomAD compares: Non-Finnish European, 0.23%; 1 homozygote.

Submission:

CeGaT Center for Human Genetics Tuebingen
Classification: Likely benign. Last evaluated: 2022-12-01. Review status: criteria provided, single submitter. Criteria: CeGaT Center For Human Genetics Tuebingen Variant Classification Criteria Version 2. Collection method: clinical testing. Allele origin: germline. Affected: yes. Observed: 3 variant alleles.
Comment: MUC5B: BP4, BP7